The following is an entry in ClinVar:

ClinVar aggregate classification (germline): Pathogenic. Review status: criteria provided, single submitter (1 of 4 stars). 2 submissions from 2 submitters: Pathogenic (1). 1 of the submissions does not count toward it. Last evaluated 2025-03-04.

Conditions:
Waardenburg syndrome type 2E (WS2E). Also called: HYPOGONADOTROPIC HYPOGONADISM WITH ANOSMIA AND DEAFNESS, WITH OR WITHOUT HYPOPIGMENTATION; WAARDENBURG SYNDROME, TYPE 2E, WITH OR WITHOUT NEUROLOGIC INVOLVEMENT; WS2E, WITH OR WITHOUT NEUROLOGIC INVOLVEMENT. Identifiers: Orphanet 3440, MedGen C2700405, MONDO:0012698, OMIM 611584.

Submissions (2):

Labcorp Genetics (formerly Invitae), Labcorp
Classification: Pathogenic. Last evaluated: 2025-03-04. Review status: criteria provided, single submitter. Criteria: Invitae Variant Classification Sherloc (09022015). Collection method: clinical testing. Allele origin: germline.
Comment: This sequence change replaces tryptophan, which is neutral and slightly polar, with cysteine, which is neutral and slightly polar, at codon 142 of the SOX10 protein (p.Trp142Cys). This variant is not present in population databases (gnomAD no frequency). This missense change has been observed in individual(s) with Waardenburg syndrome (PMID: 37272645). In at least one individual the variant was observed to be de novo. ClinVar contains an entry for this variant (Variation ID: 801016). Invitae Evidence Modeling of protein sequence and biophysical properties (such as structural, functional, and spatial information, amino acid conservation, physicochemical variation, residue mobility, and thermodynamic stability) indicates that this missense variant is expected to disrupt SOX10 protein function with a positive predictive value of 95%. For these reasons, this variant has been classified as Pathogenic.

Hearing and Balance Clinic, First Affliiated Hospital of Kunming Medical University
Classification: Pathogenic for Waardenburg syndrome type 2E. Last evaluated: 2019-12-26. Review status: no assertion criteria provided. Collection method: clinical testing. Allele origin: de novo. Inheritance: Autosomal dominant inheritance. Affected: yes. Observed: 1 heterozygote. Not counted in ClinVar's aggregate classification.

Literature cited by the submitters: PubMed 37272645 (cited by Labcorp Genetics (formerly Invitae), Labcorp).

NM_006941.4(SOX10):c.426G>T (p.Trp142Cys)

Genes: POLR2F (RNA polymerase II, I and III subunit F; plus strand), SOX10 (SRY-box transcription factor 10; minus strand). Cytogenetic location: 22q13.1.
Variant type: single nucleotide variant.
Coding change: c.426G>T on transcript NM_006941.4 (MANE Select); coding-DNA position 426, G replaced by T.
Protein change: p.Trp142Cys; replaces tryptophan 142 with cysteine.
Molecular consequence: missense variant. On other transcripts: intron variant (3).
Genome position (GRCh38, 1-based): chr22:37,983,359, C>A on the plus strand (G>T on the coding strand, the complement: SOX10 is on the minus strand). VCF-style: chr22-37983359-C-A. GRCh37 (hg19) VCF-style: chr22-38379366-C-A.
Other names: c.*38+11049C>A (NM_001363825.1); c.294-2795C>A (NM_001301130.2); c.293+16189C>A (NM_001301131.2); short protein forms W142C.
Identifiers: ClinVar variation 801016 (VCV000801016.6), dbSNP rs1555939403, ClinGen allele CA411499984.